The following is an entry in ClinVar:

ClinVar aggregate classification (germline): Conflicting classifications of pathogenicity. Review status: criteria provided, conflicting classifications (1 of 4 stars). 2 submissions from 2 submitters: Likely pathogenic (1); Uncertain significance (1). Last evaluated 2024-10-09.

Conditions:
Mucopolysaccharidosis, MPS-II (MPS2). Also called: IDS deficiency; Sulfoiduronate sulfatase deficiency; SIDS deficiency; Mucopolysaccharidosis with skin involvement; Mucopolysaccharidosis type 2; Attenuated MPS (subtype; formerly known as mild MPS II). Identifiers: Orphanet 580, Orphanet 79388, MedGen C0026705, MONDO:0010674, OMIM 309900.

Submissions (2):

GeneDx
Classification: Uncertain significance. Last evaluated: 2024-10-09. Review status: criteria provided, single submitter. Criteria: GeneDx Variant Classification Process June 2021. Collection method: clinical testing. Allele origin: germline. Affected: yes.
Comment: Not observed at significant frequency in large population cohorts (gnomAD); In silico analysis supports that this missense variant has a deleterious effect on protein structure/function; Has not been previously published as pathogenic or benign to our knowledge

Fulgent Genetics
Classification: Likely pathogenic for Mucopolysaccharidosis, MPS-II. Last evaluated: 2024-04-12. Review status: criteria provided, single submitter. Criteria: ACMG Guidelines, 2015. Collection method: clinical testing. Allele origin: germline.

NM_000202.8(IDS):c.358C>T (p.Pro120Ser)

Gene: IDS (iduronate 2-sulfatase; minus strand). Cytogenetic location: Xq28.
Variant type: single nucleotide variant.
Coding change: c.358C>T on transcript NM_000202.8 (MANE Select); coding-DNA position 358, C replaced by T.
Protein change: p.Pro120Ser; replaces proline 120 with serine.
Molecular consequence: missense variant. On other transcripts: non-coding transcript variant (1).
Genome position (GRCh38, 1-based): chrX:149,503,372, G>A on the plus strand (C>T on the coding strand, the complement: IDS is on the minus strand). VCF-style: chrX-149503372-G-A. GRCh37 (hg19) VCF-style: chrX-148584902-G-A.
Other names: c.88C>T, p.Pro30Ser (NM_001166550.4); c.358C>T, p.Pro120Ser (NM_006123.5); c.358C>T (NM_000202.4); short protein forms P120S, P30S.
Identifiers: ClinVar variation 3598110 (VCV003598110.2).